The following is an entry in ClinVar:

NM_001080414.4(CCDC88C):c.6_12del (p.Asp2fs)

Genes: CCDC88C (coiled-coil and HOOK domain protein 88C; minus strand), LOC130056326 (ATAC-STARR-seq lymphoblastoid silent region 6026; plus strand). Cytogenetic location: 14q32.12.
Variant type: Deletion.
Coding change: c.6_12del on transcript NM_001080414.4 (MANE Select); coding-DNA positions 6 to 12, 7 bases deleted (CGTGACA; older notation c.6_12delCGTGACA).
Protein change: p.Asp2fs; shifts the reading frame from aspartic acid 2.
Molecular consequence: frameshift variant.
Genome position (GRCh38, 1-based): chr14:91,417,679-91,417,685, TGTCACG deleted on the plus strand (CGTGACA on the coding strand, the reverse complement: CCDC88C is on the minus strand); deleting any 7 consecutive bases within chr14:91,417,679-91,417,686 gives the same sequence; the c. name uses the placement nearest the transcript's 3' end. VCF-style (leftmost placement, unchanged base first): chr14-91417678-CTGTCACG-C. GRCh37 (hg19) VCF-style: chr14-91884022-CTGTCACG-C.
Other names: short protein forms D2fs.
Identifiers: ClinVar variation 2702855 (VCV002702855.3), dbSNP rs2544655192, ClinGen allele CA2697554101.

ClinVar aggregate classification (germline): Pathogenic (1 of 4 stars; one submission).

Submission:

Labcorp Genetics (formerly Invitae), Labcorp
Classification: Pathogenic. Last evaluated: 2023-12-13. Review status: criteria provided, single submitter. Criteria: Invitae Variant Classification Sherloc (09022015). Collection method: clinical testing. Allele origin: germline.
Comment: This sequence change creates a premature translational stop signal (p.Asp2Glufs*15) in the CCDC88C gene. It is expected to result in an absent or disrupted protein product. Loss-of-function variants in CCDC88C are known to be pathogenic (PMID: 23042809, 29225145). This variant is not present in population databases (gnomAD no frequency). This variant has not been reported in the literature in individuals affected with CCDC88C-related conditions. For these reasons, this variant has been classified as Pathogenic.

Literature cited by the submitters: PubMed 23042809; PubMed 29225145.